The following is an entry in ClinVar:

ClinVar aggregate classification (germline): Benign/Likely benign. Review status: criteria provided, multiple submitters, no conflicts (2 of 4 stars). 3 submissions from 3 submitters: Benign (1); Likely benign (2). Last evaluated 2025-06-10.

Conditions:
Chuvash polycythemia. Also called: POLYCYTHEMIA, VHL-DEPENDENT. Identifiers: Orphanet 238557, MedGen C1837915, MONDO:0009892, OMIM 263400.
Von Hippel-Lindau syndrome (VHLS). Also called: Von Hippel-Lindau; von Hippel–Lindau syndrome; VHL syndrome. Identifiers: Orphanet 892, MedGen C0019562, MONDO:0008667, OMIM 193300. Disease mechanism: loss of function.
Hereditary cancer-predisposing syndrome. Also called: Tumor predisposition; Neoplastic Syndromes, Hereditary; Hereditary Cancer Syndrome; Hereditary neoplastic syndrome. Identifiers: Orphanet 140162, MedGen C0027672, MeSH D009386, MONDO:0015356.

gnomAD v4.1: 2 of 1,535,996 alleles (0.00013%); highest among the groups gnomAD compares: Non-Finnish European, 0.00018%; no homozygotes.

Submissions (3):

Myriad Genetics, Inc.
Classification: Benign for Von Hippel-Lindau syndrome. Last evaluated: 2025-06-10. Review status: criteria provided, single submitter. Criteria: Myriad Autosomal Dominant, Autosomal Recessive and X-Linked Classification Criteria (2023). Collection method: clinical testing. Allele origin: unknown.
Comment: This variant is considered benign. This variant is a silent/synonymous amino acid change and it is not expected to impact splicing.

Labcorp Genetics (formerly Invitae), Labcorp
Classification: Likely benign for Von Hippel-Lindau syndrome; Chuvash polycythemia. Last evaluated: 2024-05-22. Review status: criteria provided, single submitter. Criteria: Invitae Variant Classification Sherloc (09022015). Collection method: clinical testing. Allele origin: germline.

Ambry Genetics
Classification: Likely benign for Hereditary cancer-predisposing syndrome. Last evaluated: 2022-07-10. Review status: criteria provided, single submitter. Criteria: Ambry Variant Classification Scheme 2023. Collection method: clinical testing. Allele origin: germline.

NM_000551.4(VHL):c.9G>C (p.Arg3=)

Gene: VHL (von Hippel-Lindau tumor suppressor; plus strand). Cytogenetic location: 3p25.3.
Variant type: single nucleotide variant.
Coding change: c.9G>C on transcript NM_000551.4 (MANE Select); coding-DNA position 9, G replaced by C.
Protein change: p.Arg3=; no amino-acid change (arginine 3 retained).
Molecular consequence: synonymous variant. On other transcripts: non-coding transcript variant (1).
Genome position (GRCh38, 1-based): chr3:10,141,856, G>C. VCF-style: chr3-10141856-G-C. GRCh37 (hg19) VCF-style: chr3-10183540-G-C.
Other names: c.9G>C, p.Arg3= (NM_001354723.2, NM_198156.3).
Identifiers: ClinVar variation 1768939 (VCV001768939.6), dbSNP rs1696113334, ClinGen allele CA432536128.
Genomic context (GRCh38, chr3:10,141,856, plus strand): 5'-CGACCCGCGGATCCCGCGGCGTCCGGCCCGGGTGGTCTGGATCGCGGAGGGAATGCCCCG[G>C]AGGGCGGAGAACTGGGACGAGGCCGAGGTAGGCGCGGAGGAGGCAGGCGTCGAAGAGTAC-3'
Protein context (NP_000542.1, residues 1-13): MP[Arg3=]RAENWDEAEV